The following is an entry in ClinVar:

ClinVar aggregate classification (germline): Uncertain significance (1 of 4 stars; one submission).

Conditions:
Cardiovascular phenotype. Identifiers: MedGen CN230736.

Submission:

Ambry Genetics
Classification: Uncertain significance for Cardiovascular phenotype. Last evaluated: 2023-11-29. Review status: criteria provided, single submitter. Criteria: Ambry Variant Classification Scheme 2023. Collection method: clinical testing. Allele origin: germline.
Comment: The p.R162L variant (also known as c.485G>T), located in coding exon 1 of the LOX gene, results from a G to T substitution at nucleotide position 485. The arginine at codon 162 is replaced by leucine, an amino acid with dissimilar properties. This amino acid position is conserved. In addition, this alteration is predicted to be tolerated by in silico analysis. Since supporting evidence is limited at this time, the clinical significance of this alteration remains unclear.

NM_002317.7(LOX):c.485G>T (p.Arg162Leu)

Genes: LOX (lysyl oxidase; minus strand), SRFBP1 (serum response factor binding protein 1; plus strand). Cytogenetic location: 5q23.1.
Variant type: single nucleotide variant.
Coding change: c.485G>T on transcript NM_002317.7 (MANE Select); coding-DNA position 485, G replaced by T.
Protein change: p.Arg162Leu; replaces arginine 162 with leucine.
Molecular consequence: missense variant.
Genome position (GRCh38, 1-based): chr5:122,077,501, C>A on the plus strand (G>T on the coding strand, the complement: LOX is on the minus strand). VCF-style: chr5-122077501-C-A. GRCh37 (hg19) VCF-style: chr5-121413196-C-A.
Other names: short protein forms R162L.
Identifiers: ClinVar variation 3222075 (VCV003222075.1), dbSNP rs2532916697, ClinGen allele CA360875988.